The following is an entry in ClinVar:

ClinVar aggregate classification (germline): Conflicting classifications of pathogenicity. Review status: criteria provided, conflicting classifications (1 of 4 stars). 5 submissions from 4 submitters: Uncertain significance (2); Likely benign (2). 1 of the submissions does not count toward it. Last evaluated 2025-05-16.

Conditions:
Transitory neonatal diabetes mellitus. Also called: Transient neonatal diabetes mellitus. Identifiers: MedGen C0342273, MONDO:0020525, HP:0008255.
Maturity-onset diabetes of the young (MODY). Also called: Maturity onset diabetes mellitus in young. Identifiers: Orphanet 552, MedGen C0342276, MONDO:0018911, HP:0004904.
ABCC8-related disorder.

Allele frequency attached by ClinVar (database versions not stated): gnomAD exomes 0.00001; ExAC 0.00002; gnomAD 0.00002.
gnomAD v4.1: 25 of 1,614,054 alleles (0.0015%); highest among the groups gnomAD compares: Middle Eastern, 0.016%; no homozygotes.

Submissions (5):

Labcorp Genetics (formerly Invitae), Labcorp
Classification: Likely benign. Last evaluated: 2025-05-16. Review status: criteria provided, single submitter. Criteria: Invitae Variant Classification Sherloc (09022015). Collection method: clinical testing. Allele origin: germline.

Blueprint Genetics
Classification: Likely benign. Last evaluated: 2021-12-15. Review status: criteria provided, single submitter. Criteria: ACMG Guidelines, 2015. Collection method: clinical testing. Allele origin: germline.

Clinical Genomics, Uppaluri K&H Personalized Medicine Clinic
Classification: Uncertain significance for Transitory neonatal diabetes mellitus. Review status: criteria provided, single submitter. Criteria: K & H Uppaluri Personalized Medicine Clinic Variant Classification & Assertion Criteria_Updated V.1. Collection method: research. Allele origin: unknown. Inheritance: Somatic mutation.
Comment: Mutations in ABCC8 gene are associated with both neonatal diabetes mellitus as well as MODY. Patients with this mutation may have a better response to sulfonylureas. However, no sufficient evidence is found to ascertain the role of this particular variant (rs750619309) in neonatal diabetes yet.

Clinical Genomics, Uppaluri K&H Personalized Medicine Clinic
Classification: Uncertain significance for Maturity-onset diabetes of the young. Review status: criteria provided, single submitter. Criteria: K & H Uppaluri Personalized Medicine Clinic Variant Classification & Assertion Criteria_Updated V.1. Collection method: research. Allele origin: unknown. Inheritance: Somatic mutation.
Comment: Mutations in ABCC8 gene are associated with both neonatal diabetes mellitus as well as MODY. Patients with this mutation may have a better response to sulfonylureas. However, no sufficient evidence is found to ascertain the role of this particular variant (rs750619309) in MODY yet.

PreventionGenetics, part of Exact Sciences
Classification: Likely benign for ABCC8-related condition. Last evaluated: 2019-05-23. Review status: no assertion criteria provided. Collection method: clinical testing. Allele origin: germline. Not counted in ClinVar's aggregate classification.
Comment: This variant is classified as likely benign based on ACMG/AMP sequence variant interpretation guidelines (Richards et al. 2015 PMID: 25741868, with internal and published modifications).

Literature cited by the submitters: PubMed 16885549 (cited by Clinical Genomics, Uppaluri K&H Personalized Medicine Clinic); PubMed 21989597 (cited by Clinical Genomics, Uppaluri K&H Personalized Medicine Clinic); PubMed 27538677 (cited by Clinical Genomics, Uppaluri K&H Personalized Medicine Clinic); PubMed 18981553 (cited by Clinical Genomics, Uppaluri K&H Personalized Medicine Clinic); PubMed 32027066 (cited by Clinical Genomics, Uppaluri K&H Personalized Medicine Clinic); PubMed 16613899 (cited by Clinical Genomics, Uppaluri K&H Personalized Medicine Clinic); PubMed 18025408 (cited by Clinical Genomics, Uppaluri K&H Personalized Medicine Clinic); PubMed 32792356 (cited by Clinical Genomics, Uppaluri K&H Personalized Medicine Clinic).

NM_000352.6(ABCC8):c.1716G>A (p.Ser572=)

Gene: ABCC8 (ATP binding cassette subfamily C member 8; minus strand). Cytogenetic location: 11p15.1.
Variant type: single nucleotide variant.
Coding change: c.1716G>A on transcript NM_000352.6 (MANE Select); coding-DNA position 1716, G replaced by A.
Protein change: p.Ser572=; no amino-acid change (serine 572 retained).
Molecular consequence: synonymous variant. On other transcripts: non-coding transcript variant (1).
Genome position (GRCh38, 1-based): chr11:17,430,915, C>T on the plus strand (G>A on the coding strand, the complement: ABCC8 is on the minus strand). VCF-style: chr11-17430915-C-T. GRCh37 (hg19) VCF-style: chr11-17452462-C-T.
Other names: c.1716G>A (NM_000352.4); c.1716G>A, p.Ser572= (NM_001287174.3, NM_001351295.2); c.1713G>A, p.Ser571= (NM_001351296.2, NM_001351297.2).
Identifiers: ClinVar variation 1697229 (VCV001697229.9), dbSNP rs750619309, ClinGen allele CA5903463.